The following is an entry in ClinVar:

NM_005476.7(GNE):c.79C>T (p.Pro27Ser)

Gene: GNE (glucosamine (UDP-N-acetyl)-2-epimerase/N-acetylmannosamine kinase; minus strand). Cytogenetic location: 9p13.3.
Variant type: single nucleotide variant.
Coding change: c.79C>T on transcript NM_005476.7 (MANE Select); coding-DNA position 79, C replaced by T.
Protein change: p.Pro27Ser; replaces proline 27 with serine.
Molecular consequence: missense variant. On other transcripts: intron variant (3).
Genome position (GRCh38, 1-based): chr9:36,249,277, G>A on the plus strand (C>T on the coding strand, the complement: GNE is on the minus strand). VCF-style: chr9-36249277-G-A. GRCh37 (hg19) VCF-style: chr9-36249274-G-A.
Other names: c.172C>T, p.Pro58Ser (NM_001128227.3); c.79C>T, p.Pro27Ser (NM_001190383.3, NM_001374797.1); c.-13-2795C>T (NM_001190388.2, NM_001190384.3, NM_001374798.1); short protein forms P58S, P27S.
Identifiers: ClinVar variation 464102 (VCV000464102.9), dbSNP rs1554664064, ClinGen allele CA373421897.

ClinVar aggregate classification (germline): Pathogenic. Review status: criteria provided, multiple submitters, no conflicts (2 of 4 stars). 3 submissions from 3 submitters: Pathogenic (2). 1 of the submissions does not count toward it. Last evaluated 2025-07-15.

Conditions:
Sialuria. Also called: SIALURIA, FRENCH TYPE; Sialic Acid Storage Disease. Identifiers: Orphanet 3166, MedGen C0342853, MONDO:0010028, OMIM 269921.
GNE myopathy (NM). Also called: NONAKA DISTAL MYOPATHY; MYOPATHY, DISTAL, WITH OR WITHOUT RIMMED VACUOLES; INCLUSION BODY MYOPATHY, HEREDITARY, AUTOSOMAL RECESSIVE; INCLUSION BODY MYOPATHY 2, AUTOSOMAL RECESSIVE; IBM 2; Inclusion body myopathy autosomal recessive. Identifiers: Orphanet 602, MedGen C1853926, MONDO:0011603, OMIM 605820.

Allele frequency attached by ClinVar (database versions not stated): gnomAD exomes below 0.00001.
gnomAD v4.1: 2 of 1,614,102 alleles (0.00012%); highest among the groups gnomAD compares: African/African-American, 0.0027%; no homozygotes.

Submissions (3):

Women's Health and Genetics/Laboratory Corporation of America, LabCorp
Classification: Pathogenic for GNE myopathy. Last evaluated: 2025-07-15. Review status: criteria provided, single submitter. Criteria: LabCorp Variant Classification Summary - May 2015. Collection method: clinical testing. Allele origin: germline.
Comment: Variant summary: GNE c.172C>T (p.Pro58Ser), also referred to as c.79C>T (p.Pro27Ser), results in a non-conservative amino acid change in the encoded protein sequence. Algorithms developed to predict the effect of missense changes on protein structure and function all suggest that this variant is likely to be disruptive. The variant allele was found at a frequency of 4e-06 in 251478 control chromosomes. c.172C>T has been observed in individuals affected with GNE myopathy (e.g. Broccolini_2004, Tasca_2012). These data indicate that the variant is likely to be associated with disease. Additionally, a different variant affecting the same codon has been classified as pathogenic by our lab (c.173C>T, p.Pro58Leu), supporting the critical relevance of codon 58 to GNE protein function. The following publications have been ascertained in the context of this evaluation (PMID: 15146476, 22231866). ClinVar contains an entry for this variant (Variation ID: 464102). Based on the evidence outlined above, the variant was classified as pathogenic.

Labcorp Genetics (formerly Invitae), Labcorp
Classification: Pathogenic for Sialuria; GNE myopathy. Last evaluated: 2022-06-27. Review status: criteria provided, single submitter. Criteria: Invitae Variant Classification Sherloc (09022015). Collection method: clinical testing. Allele origin: germline.
Comment: For these reasons, this variant has been classified as Pathogenic. Advanced modeling of protein sequence and biophysical properties (such as structural, functional, and spatial information, amino acid conservation, physicochemical variation, residue mobility, and thermodynamic stability) performed at Invitae indicates that this missense variant is expected to disrupt GNE protein function. ClinVar contains an entry for this variant (Variation ID: 464102). This variant is also known as c.79C>T (p.Pro27Ser). This missense change has been observed in individuals with autosomal recessive GNE-related inclusion body myopathy (PMID: 15146476, 22231866). This variant is not present in population databases (gnomAD no frequency). This sequence change replaces proline, which is neutral and non-polar, with serine, which is neutral and polar, at codon 58 of the GNE protein (p.Pro58Ser).

Natera, Inc.
Classification: Likely pathogenic for Nonaka myopathy. Last evaluated: 2021-09-30. Review status: no assertion criteria provided. Collection method: clinical testing. Allele origin: germline. Not counted in ClinVar's aggregate classification.

Literature cited by the submitters: PubMed 22231866 (cited by Women's Health and Genetics/Laboratory Corporation of America, LabCorp and Labcorp Genetics (formerly Invitae), Labcorp); PubMed 15146476 (cited by Women's Health and Genetics/Laboratory Corporation of America, LabCorp and Labcorp Genetics (formerly Invitae), Labcorp).